The following is an entry in ClinVar:

ClinVar aggregate classification (germline): Uncertain significance (1 of 4 stars; one submission).

Conditions:
Skeletal overgrowth-craniofacial dysmorphism-hyperelastic skin-white matter lesions syndrome. Also called: SKELETAL OVERGROWTH WITH FACIAL DYSMORPHISM, HYPERELASTIC SKIN, WHITE MATTER LESIONS, AND NEUROLOGIC DETERIORATION; Kosaki overgrowth syndrome. Identifiers: Orphanet 477831, MedGen C4225270, MONDO:0014704, OMIM 616592.

gnomAD v4.1: 10 of 1,613,002 alleles (0.00062%); highest among the groups gnomAD compares: South Asian, 0.0099%; no homozygotes.

Submission:

Clinical Genomics Laboratory, Washington University in St. Louis
Classification: Uncertain significance for Skeletal overgrowth-craniofacial dysmorphism-hyperelastic skin-white matter lesions syndrome. Last evaluated: 2024-08-12. Review status: criteria provided, single submitter. Criteria: ACMG Guidelines, 2015. Collection method: clinical testing. Allele origin: germline.
Comment: A PDGFRB c.1273A>G (p.Ser425Gly) variant was identified at a heterozygous allelic fraction of 50.4%, which may be consistent with germline origin. This variant, to our knowledge, has not been reported in the medical literature. This variant is only observed on 10/1,613,002 alleles in the general population (gnomAD v4.1.0), indicating it is not a common variant. Computational predictors suggest that this does not impact PDGFRB function. Due to limited information, and based on ACMG/AMP guidelines for variant interpretation (Richards S et al., PMID: 25741868), the clinical significance of the PDGFRB c.1273A>G (p.Ser425Gly) variant is uncertain at this time.

NM_002609.4(PDGFRB):c.1273A>G (p.Ser425Gly)

Gene: PDGFRB (platelet derived growth factor receptor beta; minus strand). Cytogenetic location: 5q32.
Variant type: single nucleotide variant.
Coding change: c.1273A>G on transcript NM_002609.4 (MANE Select); coding-DNA position 1273, A replaced by G.
Protein change: p.Ser425Gly; replaces serine 425 with glycine.
Molecular consequence: missense variant.
Genome position (GRCh38, 1-based): chr5:150,130,633, T>C on the plus strand (A>G on the coding strand, the complement: PDGFRB is on the minus strand). VCF-style: chr5-150130633-T-C. GRCh37 (hg19) VCF-style: chr5-149510196-T-C.
Other names: c.1081A>G, p.Ser361Gly (NM_001355016.2); c.790A>G, p.Ser264Gly (NM_001355017.2); short protein forms S264G, S361G, S425G.
Identifiers: ClinVar variation 3600484 (VCV003600484.1).